The following is an entry in ClinVar:

ClinVar aggregate classification (germline): Likely benign (1 of 4 stars; one submission).

Conditions:
SH2B1-related disorder. Also called: SH2B1-related condition.

gnomAD v4.1: 42 of 1,611,466 alleles (0.0026%); highest among the groups gnomAD compares: Non-Finnish European, 0.003%; no homozygotes.

Submission:

PreventionGenetics, part of Exact Sciences
Classification: Likely benign for SH2B1-related condition. Last evaluated: 2025-01-30. Review status: criteria provided, single submitter. Criteria: ACMG Guidelines, 2015. Collection method: clinical testing. Allele origin: germline.
Comment: This variant is classified as likely benign based on ACMG/AMP sequence variant interpretation guidelines (Richards et al. 2015 PMID: 25741868, with internal and published modifications).

NM_001387430.1(SH2B1):c.798C>T (p.Ala266=)

Gene: SH2B1 (SH2B adaptor protein 1; plus strand). Cytogenetic location: 16p11.2.
Variant type: single nucleotide variant.
Coding change: c.798C>T on transcript NM_001387430.1 (MANE Select); coding-DNA position 798, C replaced by T.
Protein change: p.Ala266=; no amino-acid change (alanine 266 retained).
Molecular consequence: synonymous variant. On other transcripts: intron variant (1).
Genome position (GRCh38, 1-based): chr16:28,866,892, C>T. VCF-style: chr16-28866892-C-T. GRCh37 (hg19) VCF-style: chr16-28878213-C-T.
Other names: c.798C>T, p.Ala266= (NM_001145795.2, NM_001145796.2, NM_001145797.2 and 4 more transcripts); c.-26-482C>T (NM_001308294.2).
Identifiers: ClinVar variation 4978278 (VCV004978278.1).
Genomic context (GRCh38, chr16:28,866,892, plus strand): 5'-GGTGCAGAGGGAAGAGCTGCTGAGTTTCATGGGGGCTGAGGAGGCAGCCCCTGACCCAGC[C>T]GGAGTGGGCCGGGGAGGAGGGGTGGCTGGGCCTCCTTCAGGGGGAGGAGGGCAGCCTCAG-3'
Protein context (NP_001374359.1, residues 256-276): MGAEEAAPDP[Ala266=]GVGRGGGVAG